The following is an entry in ClinVar:

NM_000135.4(FANCA):c.523A>C (p.Ser175Arg)

Gene: FANCA (FA complementation group A; minus strand). Cytogenetic location: 16q24.3.
Variant type: single nucleotide variant.
Coding change: c.523A>C on transcript NM_000135.4 (MANE Select); coding-DNA position 523, A replaced by C.
Protein change: p.Ser175Arg; replaces serine 175 with arginine.
Molecular consequence: missense variant.
Genome position (GRCh38, 1-based): chr16:89,808,367, T>G on the plus strand (A>C on the coding strand, the complement: FANCA is on the minus strand). VCF-style: chr16-89808367-T-G. GRCh37 (hg19) VCF-style: chr16-89874775-T-G.
Other names: c.523A>C, p.Ser175Arg (NM_001018112.3, NM_001286167.3); c.427A>C, p.Ser143Arg (NM_001351830.2); short protein forms S175R, S143R.
Identifiers: ClinVar variation 3848079 (VCV003848079.2).
Genomic context (GRCh38, chr16:89,808,367, plus strand): 5'-CTTGCAGGCTCACAATGCCTTGTACGTGAAGATGCCACACCGCTTCAAGCAACAAAGAAC[T>G]CTGAAAAACAAAACAAAACAAACAAAAACAAAAACAAAAAAACCCCCAGCATTCTGAGTC-3'
Protein context (NP_000126.2, residues 165-185): SFCQELWKIQ[Ser175Arg]SLLLEAVWHL

ClinVar aggregate classification (germline): Uncertain significance. Review status: criteria provided, multiple submitters, no conflicts (2 of 4 stars). 2 submissions from 2 submitters: Uncertain significance (2). Last evaluated 2025-04-03.

Conditions:
Inborn genetic diseases. Identifiers: MedGen C0950123, MeSH D030342.
Fanconi anemia (FA). Also called: Fanconi's anemia. Identifiers: Orphanet 84, MedGen C0015625, MeSH D005199, MONDO:0019391.

gnomAD v4.1: 5 of 1,613,982 alleles (0.00031%); highest among the groups gnomAD compares: East Asian, 0.011%; no homozygotes.

Submissions (2):

Labcorp Genetics (formerly Invitae), Labcorp
Classification: Uncertain significance for Fanconi anemia. Last evaluated: 2025-04-03. Review status: criteria provided, single submitter. Criteria: Invitae Variant Classification Sherloc (09022015). Collection method: clinical testing. Allele origin: germline.
Comment: This sequence change replaces serine, which is neutral and polar, with arginine, which is basic and polar, at codon 175 of the FANCA protein (p.Ser175Arg). This variant is not present in population databases (gnomAD no frequency). This variant has not been reported in the literature in individuals affected with FANCA-related conditions. Invitae Evidence Modeling of protein sequence and biophysical properties (such as structural, functional, and spatial information, amino acid conservation, physicochemical variation, residue mobility, and thermodynamic stability) indicates that this missense variant is not expected to disrupt FANCA protein function with a negative predictive value of 95%. In summary, the available evidence is currently insufficient to determine the role of this variant in disease. Therefore, it has been classified as a Variant of Uncertain Significance.

Ambry Genetics
Classification: Uncertain significance for Inborn genetic diseases. Last evaluated: 2025-01-03. Review status: criteria provided, single submitter. Criteria: Ambry Variant Classification Scheme 2023. Collection method: clinical testing. Allele origin: germline.
Comment: The p.S175R variant (also known as c.523A>C) is located in coding exon 6 of the FANCA gene. The serine at codon 175 is replaced by arginine, an amino acid with dissimilar properties. This change occurs in the first base pair of coding exon 6. This amino acid position is conserved. In addition, this alteration is predicted to be tolerated by in silico analysis. Based on the available evidence, the clinical significance of this variant remains unclear.